The following is an entry in ClinVar:

ClinVar aggregate classification (germline): Uncertain significance. Review status: criteria provided, multiple submitters, no conflicts (2 of 4 stars). 2 submissions from 2 submitters: Uncertain significance (2). Last evaluated 2025-04-09.

Conditions:
Hereditary cancer-predisposing syndrome. Also called: Hereditary Cancer Syndrome; Tumor predisposition; Neoplastic Syndromes, Hereditary; Hereditary neoplastic syndrome. Identifiers: Orphanet 140162, MedGen C0027672, MeSH D009386, MONDO:0015356.
Gastrointestinal stromal tumor. Also called: Gastrointestinal stromal tumor, somatic; Gastrointestinal stroma tumor. Identifiers: Orphanet 44890, MedGen C0238198, MeSH D046152, MONDO:0011719, OMIM 606764, HP:0100723.

Submissions (2):

Ambry Genetics
Classification: Uncertain significance for Hereditary cancer-predisposing syndrome. Last evaluated: 2025-04-09. Review status: criteria provided, single submitter. Criteria: Ambry Variant Classification Scheme 2023. Collection method: clinical testing. Allele origin: germline.
Comment: The c.367+3G>A intronic variant results from a G to A substitution 3 nucleotides after coding exon 2 in the PDGFRA gene. This nucleotide position is well conserved in available vertebrate species. In silico splice site analysis predicts that this alteration will not have any significant effect on splicing. Based on the available evidence, the clinical significance of this variant remains unclear.

Labcorp Genetics (formerly Invitae), Labcorp
Classification: Uncertain significance for Gastrointestinal stromal tumor. Last evaluated: 2024-06-10. Review status: criteria provided, single submitter. Criteria: Invitae Variant Classification Sherloc (09022015). Collection method: clinical testing. Allele origin: germline.
Comment: This sequence change falls in intron 3 of the PDGFRA gene. It does not directly change the encoded amino acid sequence of the PDGFRA protein. It affects a nucleotide within the consensus splice site. This variant is not present in population databases (gnomAD no frequency). This variant has not been reported in the literature in individuals affected with PDGFRA-related conditions. ClinVar contains an entry for this variant (Variation ID: 576466). Variants that disrupt the consensus splice site are a relatively common cause of aberrant splicing (PMID: 17576681, 9536098). Algorithms developed to predict the effect of sequence changes on RNA splicing suggest that this variant is not likely to affect RNA splicing. In summary, the available evidence is currently insufficient to determine the role of this variant in disease. Therefore, it has been classified as a Variant of Uncertain Significance.

Literature cited by the submitters: PubMed 17576681 (cited by Labcorp Genetics (formerly Invitae), Labcorp); PubMed 9536098 (cited by Labcorp Genetics (formerly Invitae), Labcorp).

NM_006206.6(PDGFRA):c.367+3G>A

Gene: PDGFRA (platelet derived growth factor receptor alpha; plus strand). Cytogenetic location: 4q12.
Variant type: single nucleotide variant.
Coding change: c.367+3G>A on transcript NM_006206.6 (MANE Select); 3 bases into the intron after coding-DNA position 367, G replaced by A.
Molecular consequence: intron variant.
Genome position (GRCh38, 1-based): chr4:54,261,415, G>A. VCF-style: chr4-54261415-G-A. GRCh37 (hg19) VCF-style: chr4-55127582-G-A.
Other names: c.442+3G>A (NM_001347828.2); c.367+3G>A (NM_001347827.2, NM_001347829.2); c.406+3G>A (NM_001347830.2).
Identifiers: ClinVar variation 576466 (VCV000576466.10), dbSNP rs747555686, ClinGen allele CA891842736.